The following is an entry in ClinVar:

ClinVar aggregate classification (germline): Uncertain significance (1 of 4 stars; one submission).

Conditions:
PLXNA1-related disorder. Also called: PLXNA1-related condition.

gnomAD v4.1: 6 of 1,613,496 alleles (0.00037%); highest among the groups gnomAD compares: Admixed American, 0.01%; no homozygotes.

Submission:

PreventionGenetics, part of Exact Sciences
Classification: Uncertain significance for PLXNA1-related condition. Last evaluated: 2026-06-11. Review status: criteria provided, single submitter. Criteria: ACMG Guidelines, 2015. Collection method: clinical testing. Allele origin: germline.
Comment: The PLXNA1 c.786G>C variant is predicted to result in the amino acid substitution p.Gln262His. To our knowledge, this variant has not been reported in the literature. This variant is reported in 0.017% of alleles in individuals of Latino descent in gnomAD. At this time, the clinical significance of this variant is uncertain due to the absence of conclusive functional and genetic evidence.

NM_032242.4(PLXNA1):c.786G>C (p.Gln262His)

Gene: PLXNA1 (plexin A1; plus strand). Cytogenetic location: 3q21.3.
Variant type: single nucleotide variant.
Coding change: c.786G>C on transcript NM_032242.4 (MANE Select); coding-DNA position 786, G replaced by C.
Protein change: p.Gln262His; replaces glutamine 262 with histidine.
Molecular consequence: missense variant.
Genome position (GRCh38, 1-based): chr3:126,989,379, G>C. VCF-style: chr3-126989379-G-C. GRCh37 (hg19) VCF-style: chr3-126708222-G-C.
Other names: short protein forms Q262H.
Identifiers: ClinVar variation 4978695 (VCV004978695.1).